The following is an entry in ClinVar:

NM_003242.6(TGFBR2):c.1643C>T (p.Ser548Leu)

Gene: TGFBR2 (transforming growth factor beta receptor 2; plus strand). Cytogenetic location: 3p24.1.
Variant type: single nucleotide variant.
Coding change: c.1643C>T on transcript NM_003242.6 (MANE Select); coding-DNA position 1643, C replaced by T.
Protein change: p.Ser548Leu; replaces serine 548 with leucine.
Molecular consequence: missense variant.
Genome position (GRCh38, 1-based): chr3:30,691,538, C>T. VCF-style: chr3-30691538-C-T. GRCh37 (hg19) VCF-style: chr3-30733030-C-T.
Other names: c.1718C>T, p.Ser573Leu (NM_001024847.3); c.1826C>T, p.Ser609Leu (NM_001407126.1); c.1751C>T, p.Ser584Leu (NM_001407127.1); c.1670C>T, p.Ser557Leu (NM_001407128.1); c.1646C>T, p.Ser549Leu (NM_001407129.1); c.1640C>T, p.Ser547Leu (NM_001407130.1); c.1538C>T, p.Ser513Leu (NM_001407132.1, NM_001407133.1, NM_001407134.1 and 2 more transcripts); c.1358C>T, p.Ser453Leu (NM_001407137.1); and 2 more; short protein forms S548L, S573L, S453L, S549L, S584L, S609L, S258L, S428L.
Identifiers: ClinVar variation 408441 (VCV000408441.17), dbSNP rs755070814, ClinGen allele CA047170.

ClinVar aggregate classification (germline): Uncertain significance. Review status: criteria provided, multiple submitters, no conflicts (2 of 4 stars). 7 submissions from 7 submitters: Uncertain significance (7). Last evaluated 2025-07-10.

Conditions:
Familial thoracic aortic aneurysm and aortic dissection (TAAD). Also called: Thoracic aortic aneurysms and dissections. Identifiers: Orphanet 91387, MedGen C4707243, MONDO:0019625.
Loeys-Dietz syndrome 2 (LDS2). Also called: TGFBR2-Related Loeys-Dietz Syndrome; Marfan syndrome, type 2 (formerly); AORTIC ANEURYSM, FAMILIAL THORACIC 3; MARFAN SYNDROME, TYPE II; Marfan Syndrome type 2; Marfan like connective tissue disorder. Identifiers: Orphanet 284973, Orphanet 558, MedGen C2674574, MONDO:0012427, OMIM 610168.
Malignant tumor of esophagus. Also called: Esophageal cancer; Esophageal cancer, somatic. Identifiers: Orphanet 99977, MedGen C0546837, MONDO:0007576, OMIM 133239.
Colorectal cancer, hereditary nonpolyposis, type 6. Also called: Colon cancer, hereditary nonpolyposis, type 6; Colon cancer, hereditary nonpolyposis, type 6, somatic. Identifiers: Orphanet 144, MedGen C1860896, MONDO:0013695, OMIM 614331.

Allele frequency attached by ClinVar (database versions not stated): gnomAD 0.00001; gnomAD exomes 0.00001 and 0.00002; TOPMed 0.00001; ExAC 0.00002.

Submissions (7):

Color Diagnostics, LLC DBA Color Health
Classification: Uncertain significance for Familial thoracic aortic aneurysm and aortic dissection. Last evaluated: 2025-07-10. Review status: criteria provided, single submitter. Criteria: ACMG Guidelines, 2015. Collection method: clinical testing. Allele origin: germline.
Comment: This missense variant replaces serine with leucine at codon 548 of the TGFBR2 protein. Computational prediction suggests that this variant may not impact protein structure and function. To our knowledge, functional studies have not been reported for this variant. This variant has been reported in an individual affected with spontaneous coronary artery dissection and renal fibromuscular dysplasia (PMID: 32897753). This variant has been identified in 4/251188 chromosomes in the general population by the Genome Aggregation Database (gnomAD). The available evidence is insufficient to determine the role of this variant in disease conclusively. Therefore, this variant is classified as a Variant of Uncertain Significance.

Labcorp Genetics (formerly Invitae), Labcorp
Classification: Uncertain significance for Familial thoracic aortic aneurysm and aortic dissection. Last evaluated: 2025-06-11. Review status: criteria provided, single submitter. Criteria: Invitae Variant Classification Sherloc (09022015). Collection method: clinical testing. Allele origin: germline.
Comment: This sequence change replaces serine, which is neutral and polar, with leucine, which is neutral and non-polar, at codon 548 of the TGFBR2 protein (p.Ser548Leu). This variant is present in population databases (rs755070814, gnomAD 0.01%). This missense change has been observed in individual(s) with TGFBR2-related conditions (PMID: 32897753). This variant is also known as c.1718C>T; p.Ser573Leu. ClinVar contains an entry for this variant (Variation ID: 408441). Invitae Evidence Modeling of protein sequence and biophysical properties (such as structural, functional, and spatial information, amino acid conservation, physicochemical variation, residue mobility, and thermodynamic stability) indicates that this missense variant is not expected to disrupt TGFBR2 protein function with a negative predictive value of 95%. In summary, the available evidence is currently insufficient to determine the role of this variant in disease. Therefore, it has been classified as a Variant of Uncertain Significance.

All of Us Research Program, National Institutes of Health
Classification: Uncertain significance for Loeys-Dietz syndrome 2. Last evaluated: 2024-08-06. Review status: criteria provided, single submitter. Criteria: ACMG Guidelines, 2015. Collection method: clinical testing. Allele origin: germline. Inheritance: Autosomal dominant inheritance. Observed: 6 variant alleles, 6 heterozygotes.
Comment: This missense variant replaces serine with leucine at codon 573 of the TGFBR2 protein. Computational prediction tools and conservation analyses are inconclusive regarding the impact of this variant on the protein function. Computational splicing tools suggest that this variant may not impact RNA splicing. To our knowledge, functional assays have not been performed for this variant nor has this variant been reported in individuals affected with cardiovascular disorders in the literature. This variant has been identified in 4/251188 chromosomes in the general population by the Genome Aggregation Database (gnomAD). Available evidence is insufficient to determine the role of this variant in disease conclusively. Therefore, this variant is classified as a Variant of Uncertain Significance.

This study involves interpretation of variants in research participants for the purpose of population health screening. Participant phenotype was not available at the time of variant classification. Additional details can be found in publication PMID: 35346344, PMCID: PMC8962531

Ambry Genetics
Classification: Uncertain significance for Familial thoracic aortic aneurysm and aortic dissection. Last evaluated: 2023-12-11. Review status: criteria provided, single submitter. Criteria: Ambry Variant Classification Scheme 2023. Collection method: clinical testing. Allele origin: germline.
Comment: The p.S548L variant (also known as c.1643C>T), located in coding exon 7 of the TGFBR2 gene, results from a C to T substitution at nucleotide position 1643. The serine at codon 548 is replaced by leucine, an amino acid with dissimilar properties. This alteration has been reported in a spontaneous coronary artery dissection cohort (Verstraeten A et al. Circulation, 2020 Sep;142:1021-1024). This amino acid position is highly conserved in available vertebrate species. In addition, this alteration is predicted to be deleterious by in silico analysis. Since supporting evidence is limited at this time, the clinical significance of this alteration remains unclear.

Fulgent Genetics
Classification: Uncertain significance for Malignant tumor of esophagus; Loeys-Dietz syndrome 2; Colorectal cancer, hereditary nonpolyposis, type 6. Last evaluated: 2021-09-07. Review status: criteria provided, single submitter. Criteria: ACMG Guidelines, 2015. Collection method: clinical testing. Allele origin: unknown.

GeneDx
Classification: Uncertain significance. Last evaluated: 2021-08-06. Review status: criteria provided, single submitter. Criteria: GeneDx Variant Classification Process June 2021. Collection method: clinical testing. Allele origin: germline. Affected: yes.
Comment: Not observed at a significant frequency in large population cohorts (Lek et al., 2016); In silico analysis supports that this missense variant does not alter protein structure/function; Has not been previously published as pathogenic or benign to our knowledge

Women's Health and Genetics/Laboratory Corporation of America, LabCorp
Classification: Uncertain significance. Last evaluated: 2021-05-03. Review status: criteria provided, single submitter. Criteria: LabCorp Variant Classification Summary - May 2015. Collection method: clinical testing. Allele origin: germline.
Comment: Variant summary: TGFBR2 c.1643C>T (p.Ser548Leu) results in a non-conservative amino acid change in the encoded protein sequence. Three of five in-silico tools predict a damaging effect of the variant on protein function. The variant allele was found at a frequency of 1.6e-05 in 251188 control chromosomes. The available data on variant occurrences in the general population are insufficient to allow any conclusion about variant significance. To our knowledge, no occurrence of c.1643C>T in individuals affected with Loeys-Dietz Syndrome and no experimental evidence demonstrating its impact on protein function have been reported. Two clinical diagnostic laboratories have submitted clinical-significance assessments for this variant to ClinVar after 2014 without evidence for independent evaluation. Both laboratories classified the variant as uncertain significance. Based on the evidence outlined above, the variant was classified as uncertain significance.

Literature cited by the submitters: PubMed 32897753 (cited by 3 submitters).